The following is an entry in ClinVar:

ClinVar aggregate classification (germline): Uncertain significance (1 of 4 stars; one submission).

Conditions:
Inborn genetic diseases. Identifiers: MedGen C0950123, MeSH D030342.

gnomAD v4.1: 2 of 1,525,348 alleles (0.00013%); highest among the groups gnomAD compares: Non-Finnish European, 0.00018%; no homozygotes.

Submission:

Ambry Genetics
Classification: Uncertain significance for Inborn genetic diseases. Last evaluated: 2025-04-06. Review status: criteria provided, single submitter. Criteria: Ambry Variant Classification Scheme 2023. Collection method: clinical testing. Allele origin: germline.
Comment: The p.L62R variant (also known as c.185T>G), located in coding exon 1 of the SH2B3 gene, results from a T to G substitution at nucleotide position 185. The leucine at codon 62 is replaced by arginine, an amino acid with dissimilar properties. This amino acid position is conserved. In addition, this alteration is predicted to be tolerated by in silico analysis. Based on the available evidence, the clinical significance of this variant remains unclear.

NM_005475.3(SH2B3):c.185T>G (p.Leu62Arg)

Gene: SH2B3 (SH2B adaptor protein 3; plus strand). Cytogenetic location: 12q24.12.
Variant type: single nucleotide variant.
Coding change: c.185T>G on transcript NM_005475.3 (MANE Select); coding-DNA position 185, T replaced by G.
Protein change: p.Leu62Arg; replaces leucine 62 with arginine.
Molecular consequence: missense variant.
Genome position (GRCh38, 1-based): chr12:111,418,330, T>G. VCF-style: chr12-111418330-T-G. GRCh37 (hg19) VCF-style: chr12-111856134-T-G.
Other names: short protein forms L62R.
Identifiers: ClinVar variation 3953427 (VCV003953427.1).